The following is an entry in ClinVar:

NM_004991.4(MECOM):c.2861G>A (p.Cys954Tyr)

Gene: MECOM (MDS1 and EVI1 complex locus; minus strand). Cytogenetic location: 3q26.2.
Variant type: single nucleotide variant.
Coding change: c.2861G>A on transcript NM_004991.4 (MANE Select); coding-DNA position 2861, G replaced by A.
Protein change: p.Cys954Tyr; replaces cysteine 954 with tyrosine.
Molecular consequence: missense variant.
Genome position (GRCh38, 1-based): chr3:169,095,234, C>T on the plus strand (G>A on the coding strand, the complement: MECOM is on the minus strand). VCF-style: chr3-169095234-C-T. GRCh37 (hg19) VCF-style: chr3-168813022-C-T.
Other names: c.2297G>A, p.Cys766Tyr (NM_001366469.2, NM_001205194.2, NM_005241.4 and 1 more transcripts); c.2270G>A, p.Cys757Tyr (NM_001164000.2, NM_001366471.2, NM_001366472.2); c.2273G>A, p.Cys758Tyr (NM_001366470.2, NM_001163999.2); c.2834G>A, p.Cys945Tyr (NM_001366466.2); c.2300G>A, p.Cys767Tyr (NM_001366467.2, NM_001366468.2); c.1862G>A, p.Cys621Tyr (NM_001366473.2); c.1298G>A, p.Cys433Tyr (NM_001366474.2); c.2492G>A, p.Cys831Tyr (NM_001105077.4); short protein forms C433Y, C757Y, C766Y, C945Y, C954Y, C758Y, C831Y, C621Y.
Identifiers: ClinVar variation 2810781 (VCV002810781.3), dbSNP rs2549200429, ClinGen allele CA355074586.

ClinVar aggregate classification (germline): Uncertain significance (1 of 4 stars; one submission).

Submission:

Labcorp Genetics (formerly Invitae), Labcorp
Classification: Uncertain significance. Last evaluated: 2022-10-30. Review status: criteria provided, single submitter. Criteria: Invitae Variant Classification Sherloc (09022015). Collection method: clinical testing. Allele origin: germline.
Comment: This sequence change replaces cysteine, which is neutral and slightly polar, with tyrosine, which is neutral and polar, at codon 766 of the MECOM protein (p.Cys766Tyr). In summary, the available evidence is currently insufficient to determine the role of this variant in disease. Therefore, it has been classified as a Variant of Uncertain Significance. This variant disrupts the p.Cys766 amino acid residue in MECOM. Other variant(s) that disrupt this residue have been observed in individuals with MECOM-related conditions (PMID: 29097497, 39540340), which suggests that this may be a clinically significant amino acid residue. Algorithms developed to predict the effect of missense changes on protein structure and function are either unavailable or do not agree on the potential impact of this missense change (SIFT: "Deleterious"; PolyPhen-2: "Possibly Damaging"; Align-GVGD: "Class C0"). This variant has not been reported in the literature in individuals affected with MECOM-related conditions. This variant is not present in population databases (gnomAD no frequency).

Literature cited by the submitters: PubMed 29097497; PubMed 39540340.